The following is an entry in ClinVar:

NM_006206.6(PDGFRA):c.884C>T (p.Ala295Val)

Gene: PDGFRA (platelet derived growth factor receptor alpha; plus strand). Cytogenetic location: 4q12.
Variant type: single nucleotide variant.
Coding change: c.884C>T on transcript NM_006206.6 (MANE Select); coding-DNA position 884, C replaced by T.
Protein change: p.Ala295Val; replaces alanine 295 with valine.
Molecular consequence: missense variant.
Genome position (GRCh38, 1-based): chr4:54,267,413, C>T. VCF-style: chr4-54267413-C-T. GRCh37 (hg19) VCF-style: chr4-55133580-C-T.
Other names: c.884C>T, p.Ala295Val (NM_001347827.2, NM_001347829.2); c.959C>T, p.Ala320Val (NM_001347828.2); c.923C>T, p.Ala308Val (NM_001347830.2); short protein forms A320V, A295V, A308V.
Identifiers: ClinVar variation 1764873 (VCV001764873.2), dbSNP rs2110265323, ClinGen allele CA356891317.
Genomic context (GRCh38, chr4:54,267,413, plus strand): 5'-TGACGGTCCCCGAGGCCACGGTGAAAGACAGTGGAGATTACGAATGTGCTGCCCGCCAGG[C>T]TACCAGGGAGGTCAAAGAAATGAAGAAAGTCACTATTTCTGTCCATGGTACATTCCGCTT-3'
Protein context (NP_006197.1, residues 285-305): SGDYECAARQ[Ala295Val]TREVKEMKKV

ClinVar aggregate classification (germline): Uncertain significance (1 of 4 stars; one submission).

Conditions:
Hereditary cancer-predisposing syndrome. Also called: Neoplastic Syndromes, Hereditary; Tumor predisposition; Hereditary Cancer Syndrome; Hereditary neoplastic syndrome. Identifiers: Orphanet 140162, MedGen C0027672, MeSH D009386, MONDO:0015356.

Submission:

Ambry Genetics
Classification: Uncertain significance for Hereditary cancer-predisposing syndrome. Last evaluated: 2021-08-23. Review status: criteria provided, single submitter. Criteria: Ambry Variant Classification Scheme 2023. Collection method: clinical testing. Allele origin: germline.
Comment: The p.A295V variant (also known as c.884C>T), located in coding exon 5 of the PDGFRA gene, results from a C to T substitution at nucleotide position 884. The alanine at codon 295 is replaced by valine, an amino acid with similar properties. This amino acid position is conserved. In addition, this alteration is predicted to be tolerated by in silico analysis. Since supporting evidence is limited at this time, the clinical significance of this alteration remains unclear.